The following is an entry in ClinVar:

NM_015693.4(INTU):c.1259+3A>G

Gene: INTU (inturned planar cell polarity protein; plus strand). Cytogenetic location: 4q28.1.
Variant type: single nucleotide variant.
Coding change: c.1259+3A>G on transcript NM_015693.4 (MANE Select); 3 bases into the intron after coding-DNA position 1259, A replaced by G.
Molecular consequence: intron variant.
Genome position (GRCh38, 1-based): chr4:127,684,489, A>G. VCF-style: chr4-127684489-A-G. GRCh37 (hg19) VCF-style: chr4-128605644-A-G.
Identifiers: ClinVar variation 2017933 (VCV002017933.4), dbSNP rs2530980671, ClinGen allele CA2580071487.

ClinVar aggregate classification (germline): Uncertain significance (1 of 4 stars; one submission).

Submission:

Labcorp Genetics (formerly Invitae), Labcorp
Classification: Uncertain significance. Last evaluated: 2022-07-17. Review status: criteria provided, single submitter. Criteria: Invitae Variant Classification Sherloc (09022015). Collection method: clinical testing. Allele origin: germline.
Comment: In summary, the available evidence is currently insufficient to determine the role of this variant in disease. Therefore, it has been classified as a Variant of Uncertain Significance. Variants that disrupt the consensus splice site are a relatively common cause of aberrant splicing (PMID: 17576681, 9536098). Algorithms developed to predict the effect of sequence changes on RNA splicing suggest that this variant is not likely to affect RNA splicing. This variant has not been reported in the literature in individuals affected with INTU-related conditions. This variant is not present in population databases (gnomAD no frequency). This sequence change falls in intron 7 of the INTU gene. It does not directly change the encoded amino acid sequence of the INTU protein. It affects a nucleotide within the consensus splice site.

Literature cited by the submitters: PubMed 17576681; PubMed 9536098.